The following is an entry in ClinVar:

NM_001243156.2(TAF1C):c.1087C>T (p.Arg363Cys)

Gene: TAF1C (TATA-box binding protein associated factor, RNA polymerase I subunit C; minus strand). Cytogenetic location: 16q24.1.
Variant type: single nucleotide variant.
Coding change: c.1087C>T on transcript NM_001243156.2 (MANE Select); coding-DNA position 1087, C replaced by T.
Protein change: p.Arg363Cys; replaces arginine 363 with cysteine.
Molecular consequence: missense variant. On other transcripts: 5 prime UTR variant (2).
Genome position (GRCh38, 1-based): chr16:84,181,405, G>A on the plus strand (C>T on the coding strand, the complement: TAF1C is on the minus strand). VCF-style: chr16-84181405-G-A. GRCh37 (hg19) VCF-style: chr16-84215011-G-A.
Other names: c.169C>T, p.Arg57Cys (NM_001243157.2, NM_001243158.2); c.-63C>T (NM_001243159.2); c.-248C>T (NM_001243160.2); c.1165C>T, p.Arg389Cys (NM_005679.4); c.886C>T, p.Arg296Cys (NM_139353.3); short protein forms R296C, R363C, R389C, R57C.
Identifiers: ClinVar variation 2646914 (VCV002646914.24), dbSNP rs140327311, ClinGen allele CA8203840.
Genomic context (GRCh38, chr16:84,181,405, plus strand): 5'-TCACTCCGGTGCGGTCACCCACGGTCAGCACCCGAGGGTGCGCAGTGAAGTCTGCCCAAC[G>A]CCACGAAGAGGAGTCCCGGAACACGAGGGTCTCAGGGTCCCTGTAGATTTGCCGCAGCCT-3'
Protein context (NP_001230085.2, residues 353-373): TLVFRDSSSW[Arg363Cys]WADFTAHPRV

ClinVar aggregate classification (germline): Uncertain significance (1 of 4 stars; one submission).

Allele frequency attached by ClinVar (database versions not stated): ESP Exome Variant Server 0.00092; TOPMed 0.00094; 1000 Genomes Project 0.00100; gnomAD exomes 0.00103; ExAC 0.00106; 1000 Genomes Project 30x 0.00109; gnomAD 0.00118.
gnomAD v4.1: 1,682 of 1,613,888 alleles (0.1%); highest among the groups gnomAD compares: Admixed American, 0.19%; 1 homozygote.

Submission:

CeGaT Center for Human Genetics Tuebingen
Classification: Uncertain significance. Last evaluated: 2023-01-01. Review status: criteria provided, single submitter. Criteria: CeGaT Center For Human Genetics Tuebingen Variant Classification Criteria Version 2. Collection method: clinical testing. Allele origin: germline. Affected: yes. Observed: 1 variant allele.
Comment: TAF1C: PS3:Supporting